The following is an entry in ClinVar:

ClinVar aggregate classification (germline): Conflicting classifications of pathogenicity. Review status: criteria provided, conflicting classifications (1 of 4 stars). 4 submissions from 4 submitters: Uncertain significance (3); Likely benign (1). Last evaluated 2025-12-05.

Conditions:
Hereditary cancer-predisposing syndrome. Also called: Hereditary Cancer Syndrome; Neoplastic Syndromes, Hereditary; Tumor predisposition; Hereditary neoplastic syndrome. Identifiers: Orphanet 140162, MedGen C0027672, MeSH D009386, MONDO:0015356.
Hereditary breast ovarian cancer syndrome. Also called: Hereditary breast and ovarian cancer syndrome; Hereditary breast and ovarian cancer; Hereditary breast and ovarian cancer syndrome (HBOC); Breast and ovarian cancer; Hereditary breast and/or ovarian cancer syndrome; BRCA1- and BRCA2-Associated Hereditary Breast and Ovarian Cancer. Identifiers: Orphanet 145, MedGen C0677776, MeSH D061325, MONDO:0003582. Disease mechanism: loss of function.

Submissions (4):

Labcorp Genetics (formerly Invitae), Labcorp
Classification: Uncertain significance for Hereditary breast ovarian cancer syndrome. Last evaluated: 2025-12-05. Review status: criteria provided, single submitter. Criteria: Invitae Variant Classification Sherloc (09022015). Collection method: clinical testing. Allele origin: germline.
Comment: This sequence change replaces leucine, which is neutral and non-polar, with proline, which is neutral and non-polar, at codon 1128 of the BRCA1 protein (p.Leu1128Pro). This variant is not present in population databases (gnomAD no frequency). This variant has not been reported in the literature in individuals affected with BRCA1-related conditions. ClinVar contains an entry for this variant (Variation ID: 481427). Invitae Evidence Modeling of protein sequence and biophysical properties (such as structural, functional, and spatial information, amino acid conservation, physicochemical variation, residue mobility, and thermodynamic stability) indicates that this missense variant is not expected to disrupt BRCA1 protein function with a negative predictive value of 80%. In summary, the available evidence is currently insufficient to determine the role of this variant in disease. Therefore, it has been classified as a Variant of Uncertain Significance.

Color Diagnostics, LLC DBA Color Health
Classification: Uncertain significance for Hereditary cancer-predisposing syndrome. Last evaluated: 2025-07-30. Review status: criteria provided, single submitter. Criteria: ACMG Guidelines, 2015. Collection method: clinical testing. Allele origin: germline.
Comment: This missense variant replaces leucine with proline at codon 1128 of the BRCA1 protein. Computational prediction suggests that this variant may not impact protein structure and function. To our knowledge, functional studies have not been reported for this variant. A multifactorial analysis has reached a combined likelihood ratio (LR) of 0.567 based on reported LR for co-occurrence with a pathogenic variant and personal and family history for 1 carrier (PMID: 31853058). This variant has not been identified in the general population by the Genome Aggregation Database (gnomAD). The available evidence is insufficient to determine the role of this variant in disease conclusively. Therefore, this variant is classified as a Variant of Uncertain Significance.

University of Washington Department of Laboratory Medicine, University of Washington
Classification: Likely benign for Hereditary cancer-predisposing syndrome. Last evaluated: 2023-03-23. Review status: criteria provided, single submitter. Criteria: Dines et al. (Genet Med. 2020). Collection method: curation. Allele origin: germline.
Comment: Missense variant in a coldspot region where missense variants are very unlikely to be pathogenic (PMID:31911673).

BRCA1 coldspot (exon 11 using historical exon numbering). Reclassification based on statistical prior probability

Ambry Genetics
Classification: Uncertain significance for Hereditary cancer-predisposing syndrome. Last evaluated: 2016-01-12. Review status: criteria provided, single submitter. Criteria: Ambry Variant Classification Scheme 2023. Collection method: clinical testing. Allele origin: germline.
Comment: The p.L1128P variant (also known as c.3383T>C), located in coding exon 9 of the BRCA1 gene, results from a T to C substitution at nucleotide position 3383. The leucine at codon 1128 is replaced by proline, an amino acid with similar properties. This variant was not reported in population based cohorts in the following databases: Database of Single Nucleotide Polymorphisms (dbSNP), NHLBI Exome Sequencing Project (ESP), and 1000 Genomes Project. In the ESP, this variant was not observed in 6503 samples (13006 alleles) with coverage at this position. To date, this alteration has been detected with an allele frequency of approximately 0.0004% (greater than 225000 alleles tested) in our clinical cohort. This amino acid position is well conserved in available vertebrate species. In addition, the in silico prediction for this alteration is inconclusive. Since supporting evidence is limited at this time, the clinical significance of p.L1128P remains unclear.

Literature cited by the submitters: PubMed 31853058 (cited by Color Diagnostics, LLC DBA Color Health).

NM_007294.4(BRCA1):c.3383T>C (p.Leu1128Pro)

Genes: BRCA1 (BRCA1 DNA repair associated; minus strand), LOC126862571 (BRD4-independent group 4 enhancer GRCh37_chr17:41243136-41244335; plus strand). Cytogenetic location: 17q21.31.
Variant type: single nucleotide variant.
Coding change: c.3383T>C on transcript NM_007294.4 (MANE Select); coding-DNA position 3383, T replaced by C.
Protein change: p.Leu1128Pro; replaces leucine 1128 with proline.
Molecular consequence: missense variant. On other transcripts: intron variant (137).
Genome position (GRCh38, 1-based): chr17:43,092,148, A>G on the plus strand (T>C on the coding strand, the complement: BRCA1 is on the minus strand). VCF-style: chr17-43092148-A-G. GRCh37 (hg19) VCF-style: chr17-41244165-A-G.
Other names: c.3170T>C, p.Leu1057Pro (NM_001407571.1, NM_001407853.1, NM_001407894.1 and 9 more transcripts); c.3383T>C, p.Leu1128Pro (NM_001407581.1, NM_001407582.1, NM_001407583.1 and 30 more transcripts); c.3380T>C, p.Leu1127Pro (NM_001407587.1, NM_001407590.1, NM_001407591.1 and 22 more transcripts); c.3374T>C, p.Leu1125Pro (NM_001407646.1, NM_001407647.1); c.3260T>C, p.Leu1087Pro (NM_001407648.1, NM_001407664.1, NM_001407665.1 and 19 more transcripts); c.3257T>C, p.Leu1086Pro (NM_001407649.1, NM_001407670.1, NM_001407671.1 and 11 more transcripts); c.3305T>C, p.Leu1102Pro (NM_001407653.1, NM_001407654.1, NM_001407655.1 and 4 more transcripts); c.3302T>C, p.Leu1101Pro (NM_001407659.1, NM_001407660.1, NM_001407661.1 and 1 more transcripts); and 41 more; short protein forms L1128P, L1081P, L1016P, L1058P, L1080P, L1087P, L1125P, L1061P.
Identifiers: ClinVar variation 481427 (VCV000481427.20), dbSNP rs1555587827, ClinGen allele CA10595211.